The following is an entry in ClinVar:

ClinVar aggregate classification (germline): Likely pathogenic (1 of 4 stars; one submission).

Conditions:
Carney-Stratakis syndrome. Also called: PARAGANGLIOMA AND GASTROINTESTINAL STROMAL TUMOR. Identifiers: Orphanet 97286, MedGen C1847319, MONDO:0011740, OMIM 606864.
Pheochromocytoma. Also called: MAX-Related Hereditary Paraganglioma-Pheochromocytoma Syndrome. Identifiers: Orphanet 29072, MedGen C0031511, MONDO:0008233, OMIM 171300, HP:0002666.
Paragangliomas with sensorineural hearing loss. Identifiers: MedGen C1868633.
Cowden syndrome 3 (CWS3). Identifiers: Orphanet 201, MedGen CN166604, MONDO:0014045.

Submission:

Labcorp Genetics (formerly Invitae), Labcorp
Classification: Likely pathogenic for Carney-Stratakis syndrome; Paragangliomas with sensorineural hearing loss; Pheochromocytoma; Cowden syndrome 3. Last evaluated: 2019-07-18. Review status: criteria provided, single submitter. Criteria: Invitae Variant Classification Sherloc (09022015). Collection method: clinical testing. Allele origin: germline.
Comment: This variant is a deletion of the genomic region encompassing part of exon 1 (c.44_52+24del) of the SDHD gene. It is expected to disrupt RNA splicing and likely results in an absent or disrupted protein product. This variant has not been reported in the literature in individuals with SDHD-related conditions. Loss-of-function variants in SDHD are known to be pathogenic (PMID: 19454582, 19802898). In summary, the currently available evidence indicates that the variant is pathogenic, but additional data are needed to prove that conclusively. Therefore, this variant has been classified as Likely Pathogenic.

Literature cited by the submitters: PubMed 19454582; PubMed 19802898.

NM_003002.4(SDHD):c.44_52+24del

Genes: SDHD (succinate dehydrogenase complex subunit D; plus strand), LOC126861339 (BRD4-independent group 4 enhancer GRCh37_chr11:111957035-111958234; plus strand). Cytogenetic location: 11q23.1.
Variant type: Deletion.
Coding change: c.44_52+24del on transcript NM_003002.4 (MANE Select); coding-DNA position 44 through 24 bases into the intron after coding-DNA position 52, 33 bases deleted.
Molecular consequence: splice donor variant.
Genome position (GRCh38, 1-based): chr11:112,086,951-112,086,983, 33 bases deleted; deleting any 33 consecutive bases within chr11:112,086,950-112,086,983 gives the same sequence; the c. name uses the placement nearest the transcript's 3' end. GRCh37 (hg19): chr11:111,957,675-111,957,707.
Other names: c.44_52+24del (NM_001276506.2, NM_001276503.2, NM_001276504.2).
Identifiers: ClinVar variation 941528 (VCV000941528.9), dbSNP rs1865621296, ClinGen allele CA1139662324.
Genomic context (GRCh38, chr11:112,086,949, plus strand): 5'-TTGAGCCCTCAGGAACGAGATGGCGGTTCTCTGGAGGCTGAGTGCCGTTTGCGGTGCCCT[AGGAGGCCGAGGTGAGGGGTCTTCCCACCCTGAG>A]GTGCTTAGCGTAGCCTCCAGCCAGGGAAGGGGATGGAAGTGAGGACTCATCTGCCGGGTG-3'